The following is an entry in ClinVar:

NM_018027.5(FRMD4A):c.37C>T (p.Leu13=)

Gene: FRMD4A (FERM domain containing 4A; minus strand). Cytogenetic location: 10p13.
Variant type: single nucleotide variant.
Coding change: c.37C>T on transcript NM_018027.5 (MANE Select); coding-DNA position 37, C replaced by T.
Protein change: p.Leu13=; no amino-acid change (leucine 13 retained).
Molecular consequence: synonymous variant. On other transcripts: non-coding transcript variant (1).
Genome position (GRCh38, 1-based): chr10:14,330,066, G>A on the plus strand (C>T on the coding strand, the complement: FRMD4A is on the minus strand). VCF-style: chr10-14330066-G-A. GRCh37 (hg19) VCF-style: chr10-14372065-G-A.
Identifiers: ClinVar variation 2640322 (VCV002640322.24), dbSNP rs766042777, ClinGen allele CA5414973.

ClinVar aggregate classification (germline): Likely benign (1 of 4 stars; one submission).

Allele frequency attached by ClinVar (database versions not stated): TOPMed below 0.00001; gnomAD 0.00001; gnomAD exomes 0.00002; ExAC 0.00005.
gnomAD v4.1: 36 of 1,553,112 alleles (0.0023%); highest among the groups gnomAD compares: Non-Finnish European, 0.003%; no homozygotes.

Submission:

CeGaT Center for Human Genetics Tuebingen
Classification: Likely benign. Last evaluated: 2023-03-01. Review status: criteria provided, single submitter. Criteria: CeGaT Center For Human Genetics Tuebingen Variant Classification Criteria Version 2. Collection method: clinical testing. Allele origin: germline. Affected: yes. Observed: 1 variant allele.
Comment: FRMD4A: BP4, BP7